The following is an entry in ClinVar:

NM_002292.4(LAMB2):c.1651C>T (p.Arg551Cys)

Gene: LAMB2 (laminin subunit beta 2; minus strand). Cytogenetic location: 3p21.31.
Variant type: single nucleotide variant.
Coding change: c.1651C>T on transcript NM_002292.4 (MANE Select); coding-DNA position 1651, C replaced by T.
Protein change: p.Arg551Cys; replaces arginine 551 with cysteine.
Molecular consequence: missense variant.
Genome position (GRCh38, 1-based): chr3:49,129,100, G>A on the plus strand (C>T on the coding strand, the complement: LAMB2 is on the minus strand). VCF-style: chr3-49129100-G-A. GRCh37 (hg19) VCF-style: chr3-49166533-G-A.
Other names: short protein forms R551C.
Identifiers: ClinVar variation 981941 (VCV000981941.11), dbSNP rs766282298, ClinGen allele CA2394535.

ClinVar aggregate classification (germline): Uncertain significance. Review status: criteria provided, multiple submitters, no conflicts (2 of 4 stars). 3 submissions from 3 submitters: Uncertain significance (2). 1 of the submissions does not count toward it. Last evaluated 2024-02-28.

Conditions:
LAMB2-related infantile-onset nephrotic syndrome. Also called: Nephrotic Syndrome, type 5; NEPHROTIC SYNDROME, TYPE 5, WITHOUT OCULAR ABNORMALITIES; NEPHROTIC SYNDROME, TYPE 5, WITH OCULAR ABNORMALITIES. Identifiers: Orphanet 306507, MedGen C3280113, MONDO:0013621, OMIM 614199.
Pierson syndrome. Also called: MICROCORIA-CONGENITAL NEPHROTIC SYNDROME. Identifiers: Orphanet 2670, MedGen C1836876, MONDO:0012184, OMIM 609049.
Corticosteroids response. Also called: Corticosteroid response.

Allele frequency attached by ClinVar (database versions not stated): gnomAD exomes below 0.00001 and 0.00001; ExAC 0.00001; gnomAD 0.00001; TOPMed 0.00001.

Submissions (3):

Fulgent Genetics
Classification: Uncertain significance for Pierson syndrome; LAMB2-related infantile-onset nephrotic syndrome. Last evaluated: 2024-02-28. Review status: criteria provided, single submitter. Criteria: ACMG Guidelines, 2015. Collection method: clinical testing. Allele origin: germline.

Labcorp Genetics (formerly Invitae), Labcorp
Classification: Uncertain significance for LAMB2-related infantile-onset nephrotic syndrome; Pierson syndrome. Last evaluated: 2021-05-02. Review status: criteria provided, single submitter. Criteria: Invitae Variant Classification Sherloc (09022015). Collection method: clinical testing. Allele origin: germline.
Comment: In summary, the available evidence is currently insufficient to determine the role of this variant in disease. Therefore, it has been classified as a Variant of Uncertain Significance. Algorithms developed to predict the effect of missense changes on protein structure and function are either unavailable or do not agree on the potential impact of this missense change (SIFT: "Deleterious"; PolyPhen-2: "Benign"; Align-GVGD: "Class C15"). This variant has not been reported in the literature in individuals with LAMB2-related conditions. ClinVar contains an entry for this variant (Variation ID: 981941). This variant is present in population databases (rs766282298, ExAC 0.009%). This sequence change replaces arginine with cysteine at codon 551 of the LAMB2 protein (p.Arg551Cys). The arginine residue is moderately conserved and there is a large physicochemical difference between arginine and cysteine.

Genetic Testing Lab, Ashok and Rita Patel Institute of Integrated Study and Research in Biotechnology and Allied Sciences
Classification: drug response for Corticosteroid response. Last evaluated: 2020-01-12. Review status: no assertion criteria provided. Collection method: research. Allele origin: somatic. Affected: yes. Observed: 37 variant alleles. Not counted in ClinVar's aggregate classification.
Comment: Depending upon response to standard corticosteroid therapy, patients were classified to be either Steroid resistant (SRNS) or steroid sensitive (SSNS). Patients in remission within 4 weeks of corticosteroid therapy were classified as steroid sensitive nephrotic syndrome (SSNS). Patients not in remission within 4 weeks of corticosteroid therapy were classified as Steroid resistant nephrotic syndrome (SRNS).